The following is an entry in ClinVar:

ClinVar aggregate classification (germline): Uncertain significance (1 of 4 stars; one submission).

Submission:

GeneDx
Classification: Uncertain significance. Last evaluated: 2026-03-06. Review status: criteria provided, single submitter. Criteria: GeneDx Variant Classification Process June 2021. Collection method: clinical testing. Allele origin: germline.
Comment: Not observed at significant frequency in large population cohorts (gnomAD); In silico analysis suggests that this missense variant does not alter protein structure/function; Has not been previously published as pathogenic or benign to our knowledge

NM_004817.4(TJP2):c.3074A>G (p.Asn1025Ser)

Gene: TJP2 (tight junction protein 2; plus strand). Cytogenetic location: 9q21.11.
Variant type: single nucleotide variant.
Coding change: c.3074A>G on transcript NM_004817.4 (MANE Select); coding-DNA position 3074, A replaced by G.
Protein change: p.Asn1025Ser; replaces asparagine 1025 with serine.
Molecular consequence: missense variant. On other transcripts: intron variant (3).
Genome position (GRCh38, 1-based): chr9:69,251,117, A>G. VCF-style: chr9-69251117-A-G. GRCh37 (hg19) VCF-style: chr9-71866033-A-G.
Other names: c.2975A>G, p.Asn992Ser (NM_001170415.1); c.3167A>G, p.Asn1056Ser (NM_001170416.2); c.2999A>G, p.Asn1000Ser (NM_001369870.1); c.3005A>G, p.Asn1002Ser (NM_001369871.1); c.2963A>G, p.Asn988Ser (NM_001369872.1); c.2750A>G, p.Asn917Ser (NM_001369873.1); c.3086A>G, p.Asn1029Ser (NM_001369875.1); c.2812-1698A>G (NM_001170414.2); and 2 more; short protein forms N988S, N992S, N1002S, N1056S, N1000S, N1025S, N1029S, N917S.
Identifiers: ClinVar variation 5008348 (VCV005008348.1).
Genomic context (GRCh38, chr9:69,251,117, plus strand): 5'-AATCCTATGACTTCTCCAAATCCTATGAATATAAGTCAAACCCCTCTGCCGTTGCTGGTA[A>G]TGAAACTCCTGGGGCATCTACCAAAGGTTATCCTCCTCCTGTTGCAGCAAAACCTACCTT-3'
Protein context (NP_004808.2, residues 1015-1035): YKSNPSAVAG[Asn1025Ser]ETPGASTKGY